The following is an entry in ClinVar:

NM_033305.3(VPS13A):c.1442T>G (p.Leu481Ter)

Gene: VPS13A (vacuolar protein sorting 13 homolog A; plus strand). Cytogenetic location: 9q21.2.
Variant type: single nucleotide variant.
Coding change: c.1442T>G on transcript NM_033305.3 (MANE Select); coding-DNA position 1442, T replaced by G.
Protein change: p.Leu481Ter; replaces leucine 481 with a stop codon.
Molecular consequence: nonsense.
Genome position (GRCh38, 1-based): chr9:77,227,475, T>G. VCF-style: chr9-77227475-T-G. GRCh37 (hg19) VCF-style: chr9-79842391-T-G.
Other names: c.1442T>G, p.Leu481Ter (NM_001018037.2, NM_001018038.3, NM_015186.4); short protein forms L481*.
Identifiers: ClinVar variation 4816379 (VCV004816379.1).

ClinVar aggregate classification (germline): Likely pathogenic (1 of 4 stars; one submission).

Conditions:
VPS13A-related neurodegenerative disease. Also called: LEVINE-CRITCHLEY SYNDROME; Choreoacanthocytosis; Chorea-acanthocytosis; ACANTHOCYTOSIS WITH NEUROLOGIC DISORDER; VPS13A Disease; Choreaacanthocytosis. Identifiers: Orphanet 2388, MedGen C0393576, MONDO:0008695, OMIM 200150.

Submission:

Natera, Inc.
Classification: Likely pathogenic for Choreaacanthocytosis. Last evaluated: 2024-05-16. Review status: criteria provided, single submitter. Criteria: Natera Variant Classification Schema (03/2026). Collection method: clinical testing. Allele origin: germline.
Comment: The c.1442T>G variant in VPS13A is a nonsense variant predicted to introduce a stop codon at amino acid 481. This variant is expected to result in nonsense mediated decay, truncation, or a dysfunctional protein product. This variant is rare in the general population with a frequency below the threshold expected for the associated phenotype(s). Given the available evidence, this variant is classified as Likely Pathogenic.